The following is an entry in ClinVar:

NM_000059.4(BRCA2):c.65C>G (p.Ala22Gly)

Gene: BRCA2 (BRCA2 DNA repair associated; plus strand). Cytogenetic location: 13q13.1.
Variant type: single nucleotide variant.
Coding change: c.65C>G on transcript NM_000059.4 (MANE Select); coding-DNA position 65, C replaced by G.
Protein change: p.Ala22Gly; replaces alanine 22 with glycine.
Molecular consequence: missense variant. On other transcripts: non-coding transcript variant (1), intron variant (1).
Genome position (GRCh38, 1-based): chr13:32,316,525, C>G. VCF-style: chr13-32316525-C-G. GRCh37 (hg19) VCF-style: chr13-32890662-C-G.
Other names: c.65C>G, p.Ala22Gly (NM_001406719.1, NM_001406720.1, NM_001406721.1 and 1 more transcripts); c.-303+858C>G (NM_001406722.1); short protein forms A22G.
Identifiers: ClinVar variation 3651766 (VCV003651766.2).
Genomic context (GRCh38, chr13:32,316,525, plus strand): 5'-CTATTGGATCCAAAGAGAGGCCAACATTTTTTGAAATTTTTAAGACACGCTGCAACAAAG[C>G]AGGTATTGACAAATTTTATATAACTTTATAAATTACACCGAGAAAGTGTTTTCTAAAAAA-3'
Protein context (NP_000050.3, residues 12-32): FEIFKTRCNK[Ala22Gly]DLGPISLNWF

ClinVar aggregate classification (germline): Uncertain significance (1 of 4 stars; one submission).

Conditions:
Hereditary breast ovarian cancer syndrome. Also called: BRCA1- and BRCA2-Associated Hereditary Breast and Ovarian Cancer; Breast and ovarian cancer; Hereditary breast and ovarian cancer syndrome (HBOC); Hereditary breast and ovarian cancer syndrome; Hereditary breast and/or ovarian cancer syndrome; Hereditary breast and ovarian cancer. Identifiers: Orphanet 145, MedGen C0677776, MeSH D061325, MONDO:0003582. Disease mechanism: loss of function.

Submission:

Labcorp Genetics (formerly Invitae), Labcorp
Classification: Uncertain significance for Hereditary breast ovarian cancer syndrome. Last evaluated: 2024-05-01. Review status: criteria provided, single submitter. Criteria: Invitae Variant Classification Sherloc (09022015). Collection method: clinical testing. Allele origin: germline.
Comment: This sequence change replaces alanine, which is neutral and non-polar, with glycine, which is neutral and non-polar, at codon 22 of the BRCA2 protein (p.Ala22Gly). This variant is not present in population databases (gnomAD no frequency). This variant has not been reported in the literature in individuals affected with BRCA2-related conditions. An algorithm developed to predict the effect of missense changes on protein structure and function (PolyPhen-2) suggests that this variant is likely to be tolerated. In summary, the available evidence is currently insufficient to determine the role of this variant in disease. Therefore, it has been classified as a Variant of Uncertain Significance.